The following is an entry in ClinVar:

ClinVar aggregate classification (germline): Uncertain significance (1 of 4 stars; one submission).

Conditions:
Distal myopathy with posterior leg and anterior hand involvement. Also called: WILLIAMS DISTAL MYOPATHY. Identifiers: Orphanet 63273, MedGen C3279722, MONDO:0013550, OMIM 614065.
Myofibrillar myopathy 5. Also called: Filaminopathy (type); FILAMINOPATHY, AUTOSOMAL DOMINANT. Identifiers: Orphanet 171445, MedGen C1836050, MONDO:0012289, OMIM 609524.
Hypertrophic cardiomyopathy 26. Also called: Cardiomyopathy, familial hypertrophic, 26. Identifiers: Orphanet 75249, MedGen C4310749, MONDO:0014883, OMIM 617047.

Submission:

Labcorp Genetics (formerly Invitae), Labcorp
Classification: Uncertain significance for Distal myopathy with posterior leg and anterior hand involvement; Myofibrillar myopathy 5; Hypertrophic cardiomyopathy 26. Last evaluated: 2022-03-01. Review status: criteria provided, single submitter. Criteria: Invitae Variant Classification Sherloc (09022015). Collection method: clinical testing. Allele origin: germline.
Comment: This sequence change replaces histidine, which is basic and polar, with tyrosine, which is neutral and polar, at codon 1844 of the FLNC protein (p.His1844Tyr). In summary, the available evidence is currently insufficient to determine the role of this variant in disease. Therefore, it has been classified as a Variant of Uncertain Significance. Algorithms developed to predict the effect of missense changes on protein structure and function are either unavailable or do not agree on the potential impact of this missense change (SIFT: "Deleterious"; PolyPhen-2: "Probably Damaging"; Align-GVGD: "Class C0"). This variant has not been reported in the literature in individuals affected with FLNC-related conditions. This variant is not present in population databases (gnomAD no frequency).

NM_001458.5(FLNC):c.5530C>T (p.His1844Tyr)

Genes: FLNC (filamin C; plus strand), FLNC-AS1 (FLNC antisense RNA 1; minus strand). Cytogenetic location: 7q32.1.
Variant type: single nucleotide variant.
Coding change: c.5530C>T on transcript NM_001458.5 (MANE Select); coding-DNA position 5530, C replaced by T.
Protein change: p.His1844Tyr; replaces histidine 1844 with tyrosine.
Molecular consequence: missense variant.
Genome position (GRCh38, 1-based): chr7:128,850,934, C>T. VCF-style: chr7-128850934-C-T. GRCh37 (hg19) VCF-style: chr7-128490988-C-T.
Other names: c.5431C>T, p.His1811Tyr (NM_001127487.2); short protein forms H1811Y, H1844Y.
Identifiers: ClinVar variation 2105461 (VCV002105461.4), dbSNP rs1427988190, ClinGen allele CA369207059.